The following is an entry in ClinVar:

ClinVar aggregate classification (germline): Uncertain significance (1 of 4 stars; one submission).

Submission:

Labcorp Genetics (formerly Invitae), Labcorp
Classification: Uncertain significance. Last evaluated: 2024-10-23. Review status: criteria provided, single submitter. Criteria: Invitae Variant Classification Sherloc (09022015). Collection method: clinical testing. Allele origin: germline.
Comment: This sequence change replaces leucine, which is neutral and non-polar, with proline, which is neutral and non-polar, at codon 275 of the HOXB13 protein (p.Leu275Pro). This variant is not present in population databases (gnomAD no frequency). This variant has not been reported in the literature in individuals affected with HOXB13-related conditions. Invitae Evidence Modeling of protein sequence and biophysical properties (such as structural, functional, and spatial information, amino acid conservation, physicochemical variation, residue mobility, and thermodynamic stability) indicates that this missense variant is not expected to disrupt HOXB13 protein function with a negative predictive value of 80%. In summary, the available evidence is currently insufficient to determine the role of this variant in disease. Therefore, it has been classified as a Variant of Uncertain Significance.

NM_006361.6(HOXB13):c.824T>C (p.Leu275Pro)

Gene: HOXB13 (homeobox B13; minus strand). Cytogenetic location: 17q21.32.
Variant type: single nucleotide variant.
Coding change: c.824T>C on transcript NM_006361.6 (MANE Select); coding-DNA position 824, T replaced by C.
Protein change: p.Leu275Pro; replaces leucine 275 with proline.
Molecular consequence: missense variant.
Genome position (GRCh38, 1-based): chr17:48,726,821, A>G on the plus strand (T>C on the coding strand, the complement: HOXB13 is on the minus strand). VCF-style: chr17-48726821-A-G. GRCh37 (hg19) VCF-style: chr17-46804183-A-G.
Other names: short protein forms L275P.
Identifiers: ClinVar variation 3677923 (VCV003677923.2).